The following is an entry in ClinVar:

ClinVar aggregate classification (germline): Uncertain significance (1 of 4 stars; one submission).

Conditions:
Autosomal recessive limb-girdle muscular dystrophy type 2F (LGMDR6). Also called: Muscular dystrophy limb-girdle with delta-sarcoglyan deficiency; MUSCULAR DYSTROPHY, LIMB-GIRDLE, AUTOSOMAL RECESSIVE 6. Identifiers: Orphanet 219, MedGen C1832525, MONDO:0011028, OMIM 601287. Disease mechanism: Affects gamma-sarcoglycan and also disrupts the integrity of the entire sarcoglycan complex..

Submission:

Labcorp Genetics (formerly Invitae), Labcorp
Classification: Uncertain significance for Autosomal recessive limb-girdle muscular dystrophy type 2F. Last evaluated: 2022-02-24. Review status: criteria provided, single submitter. Criteria: Invitae Variant Classification Sherloc (09022015). Collection method: clinical testing. Allele origin: germline.
Comment: This sequence change replaces glycine, which is neutral and non-polar, with alanine, which is neutral and non-polar, at codon 66 of the SGCD protein (p.Gly66Ala). This variant is not present in population databases (gnomAD no frequency). This variant has not been reported in the literature in individuals affected with SGCD-related conditions. ClinVar contains an entry for this variant (Variation ID: 659720). Algorithms developed to predict the effect of missense changes on protein structure and function are either unavailable or do not agree on the potential impact of this missense change (SIFT: "Deleterious"; PolyPhen-2: "Probably Damaging"; Align-GVGD: "Class C0"). In summary, the available evidence is currently insufficient to determine the role of this variant in disease. Therefore, it has been classified as a Variant of Uncertain Significance.

NM_000337.6(SGCD):c.197G>C (p.Gly66Ala)

Gene: SGCD (sarcoglycan delta; plus strand). Cytogenetic location: 5q33.3.
Variant type: single nucleotide variant.
Coding change: c.197G>C on transcript NM_000337.6 (MANE Select); coding-DNA position 197, G replaced by C.
Protein change: p.Gly66Ala; replaces glycine 66 with alanine.
Molecular consequence: missense variant.
Genome position (GRCh38, 1-based): chr5:156,508,605, G>C. VCF-style: chr5-156508605-G-C. GRCh37 (hg19) VCF-style: chr5-155935615-G-C.
Other names: c.194G>C, p.Gly65Ala (NM_001128209.2); c.197G>C, p.Gly66Ala (NM_172244.3); short protein forms G66A, G65A.
Identifiers: ClinVar variation 659720 (VCV000659720.11), dbSNP rs1581095772, ClinGen allele CA362007925.
Genomic context (GRCh38, chr5:156,508,605, plus strand): 5'-TGTTTTGAAATTTTGGCTAATCATATCTTCCTTGTTATCTCTGTGTTCTATTTCAGGATG[G>C]AATGGGAAACCTGAGGATCACAGAAAAAGGTCTAAAGCTAGAAGGAGACTCTGAATTCTT-3'
Protein context (NP_000328.2, residues 56-76): ILKVMNFTID[Gly66Ala]MGNLRITEKG